The following is an entry in ClinVar:

ClinVar aggregate classification (germline): Uncertain significance (1 of 4 stars; one submission).

Conditions:
Cardiovascular phenotype. Identifiers: MedGen CN230736.

Submission:

Ambry Genetics
Classification: Uncertain significance for Cardiovascular phenotype. Last evaluated: 2025-07-22. Review status: criteria provided, single submitter. Criteria: Ambry Variant Classification Scheme 2023. Collection method: clinical testing. Allele origin: germline.
Comment: The p.P1035S variant (also known as c.3103C>T), located in coding exon 8 of the HCN4 gene, results from a C to T substitution at nucleotide position 3103. The proline at codon 1035 is replaced by serine, an amino acid with similar properties. This amino acid position is conserved. In addition, the in silico prediction for this alteration is inconclusive. Based on the available evidence, the clinical significance of this variant remains unclear.

NM_005477.3(HCN4):c.3103C>T (p.Pro1035Ser)

Gene: HCN4 (hyperpolarization activated cyclic nucleotide gated potassium channel 4; minus strand). Cytogenetic location: 15q24.1.
Variant type: single nucleotide variant.
Coding change: c.3103C>T on transcript NM_005477.3 (MANE Select); coding-DNA position 3103, C replaced by T.
Protein change: p.Pro1035Ser; replaces proline 1035 with serine.
Molecular consequence: missense variant.
Genome position (GRCh38, 1-based): chr15:73,322,990, G>A on the plus strand (C>T on the coding strand, the complement: HCN4 is on the minus strand). VCF-style: chr15-73322990-G-A. GRCh37 (hg19) VCF-style: chr15-73615331-G-A.
Other names: short protein forms P1035S.
Identifiers: ClinVar variation 4269226 (VCV004269226.1).